The following is an entry in ClinVar:

NM_000202.8(IDS):c.147del (p.Ser50fs)

Gene: IDS (iduronate 2-sulfatase; minus strand). Cytogenetic location: Xq28.
Variant type: Deletion.
Coding change: c.147del on transcript NM_000202.8 (MANE Select); coding-DNA position 147, one base deleted (C; older notation c.147delC).
Protein change: p.Ser50fs; shifts the reading frame from serine 50.
Molecular consequence: frameshift variant. On other transcripts: 5 prime UTR variant (1), non-coding transcript variant (1).
Genome position (GRCh38, 1-based): chrX:149,504,250, G deleted on the plus strand (C on the coding strand, the reverse complement: IDS is on the minus strand); the first of 4 consecutive G bases (chrX:149,504,250-149,504,253); deleting any one gives the same sequence. VCF-style (leftmost placement, unchanged base first): chrX-149504249-AG-A. GRCh37 (hg19) VCF-style: chrX-148585779-AG-A.
Other names: c.-80del (NM_001166550.4); c.147del, p.Ser50fs (NM_006123.5); short protein forms S50fs.
Identifiers: ClinVar variation 3255921 (VCV003255921.2).

ClinVar aggregate classification (germline): Pathogenic (1 of 4 stars; one submission).

Conditions:
Mucopolysaccharidosis, MPS-II (MPS2). Also called: Hunter Syndrome; IDURONATE 2-SULFATASE DEFICIENCY; Mucopolysaccharidosis Type II; Mucopolysaccharidosis type 2; Attenuated MPS (subtype; formerly known as mild MPS II); Severe MPS II. Identifiers: Orphanet 580, Orphanet 79388, MedGen C0026705, MONDO:0010674, OMIM 309900.

Submission:

Laboratory of Diagnosis and Therapy of Lysosomal Disorders, University of Padova
Classification: Pathogenic for Mucopolysaccharidosis, MPS-II. Last evaluated: 2024-06-07. Review status: criteria provided, single submitter. Criteria: ACMG Guidelines, 2015. Collection method: literature only. Allele origin: germline. Affected: yes. Observed: 1 variant allele.
Comment: Null variant (PVS1_VeryStrong), Absent from controls (or at low frequency) in gnomAD database (PM2_Moderate), Patient’s phenotype or family history highly specific for the disease (PP4_Strong)

Classification method: ACMG Guidelines [PMID:25741868] with modifications

Literature cited by the submitters: PubMed 19046346.